The following is an entry in ClinVar:

NM_000136.3(FANCC):c.1095C>T (p.Leu365=)

Genes: AOPEP (aminopeptidase O (putative); plus strand), FANCC (FA complementation group C; minus strand). Cytogenetic location: 9q22.32.
Variant type: single nucleotide variant.
Coding change: c.1095C>T on transcript NM_000136.3 (MANE Select); coding-DNA position 1095, C replaced by T.
Protein change: p.Leu365=; no amino-acid change (leucine 365 retained).
Molecular consequence: synonymous variant.
Genome position (GRCh38, 1-based): chr9:95,114,688, G>A on the plus strand (C>T on the coding strand, the complement: FANCC is on the minus strand). VCF-style: chr9-95114688-G-A. GRCh37 (hg19) VCF-style: chr9-97876970-G-A.
Other names: c.1095C>T, p.Leu365= (NM_001243743.2, NM_001243744.2).
Identifiers: ClinVar variation 384287 (VCV000384287.9), dbSNP rs1057521687, ClinGen allele CA16605549.

ClinVar aggregate classification (germline): Likely benign. Review status: criteria provided, multiple submitters, no conflicts (2 of 4 stars). 4 submissions from 4 submitters: Likely benign (4). Last evaluated 2024-04-10.

Conditions:
Hereditary cancer-predisposing syndrome. Also called: Tumor predisposition; Neoplastic Syndromes, Hereditary; Hereditary neoplastic syndrome; Hereditary Cancer Syndrome. Identifiers: Orphanet 140162, MedGen C0027672, MeSH D009386, MONDO:0015356.
Fanconi anemia (FA). Also called: Fanconi's anemia. Identifiers: Orphanet 84, MedGen C0015625, MeSH D005199, MONDO:0019391.

Allele frequency attached by ClinVar (database versions not stated): gnomAD exomes below 0.00001.
gnomAD v4.1: 1 of 1,614,150 alleles (0.000062%); highest among the groups gnomAD compares: Non-Finnish European, 0.000085%; no homozygotes.

Submissions (4):

Labcorp Genetics (formerly Invitae), Labcorp
Classification: Likely benign for Fanconi anemia. Last evaluated: 2024-04-10. Review status: criteria provided, single submitter. Criteria: Invitae Variant Classification Sherloc (09022015). Collection method: clinical testing. Allele origin: germline.

Blueprint Genetics
Classification: Likely benign. Last evaluated: 2022-07-11. Review status: criteria provided, single submitter. Criteria: ACMG Guidelines, 2015. Collection method: clinical testing. Allele origin: germline.

Ambry Genetics
Classification: Likely benign for Hereditary cancer-predisposing syndrome. Last evaluated: 2019-09-20. Review status: criteria provided, single submitter. Criteria: Ambry Variant Classification Scheme 2023. Collection method: clinical testing. Allele origin: germline.

GeneDx
Classification: Likely benign. Last evaluated: 2016-02-25. Review status: criteria provided, single submitter. Criteria: GeneDx Variant Classification (06012015). Collection method: clinical testing. Allele origin: germline. Affected: yes.
Comment: This variant is considered likely benign or benign based on one or more of the following criteria: it is a conservative change, it occurs at a poorly conserved position in the protein, it is predicted to be benign by multiple in silico algorithms, and/or has population frequency not consistent with disease.